The following is an entry in ClinVar:

ClinVar aggregate classification (germline): Pathogenic (1 of 4 stars; one submission).

Conditions:
Hereditary cancer-predisposing syndrome. Also called: Hereditary neoplastic syndrome; Neoplastic Syndromes, Hereditary; Tumor predisposition; Hereditary Cancer Syndrome. Identifiers: Orphanet 140162, MedGen C0027672, MeSH D009386, MONDO:0015356.

Submission:

Ambry Genetics
Classification: Pathogenic for Hereditary cancer-predisposing syndrome. Last evaluated: 2025-03-06. Review status: criteria provided, single submitter. Criteria: Ambry Variant Classification Scheme 2023. Collection method: clinical testing. Allele origin: germline.
Comment: The c.6440_6465dup26 pathogenic mutation, located in coding exon 10 of the BRCA2 gene, results from a duplication of ACTCTATTAAAGTTTCTCCATATCTC at nucleotide positions 6440 to 6465, causing a translational frameshift with a predicted alternate stop codon (p.S2156Tfs*21). This variant is considered to be rare based on population cohorts in the Genome Aggregation Database (gnomAD). This alteration is expected to result in loss of function by premature protein truncation or nonsense-mediated mRNA decay. As such, this alteration is interpreted as a disease-causing mutation.

NM_000059.4(BRCA2):c.6440_6465dup (p.Ser2156fs)

Gene: BRCA2 (BRCA2 DNA repair associated; plus strand). Cytogenetic location: 13q13.1.
Variant type: Duplication.
Coding change: c.6440_6465dup on transcript NM_000059.4 (MANE Select); coding-DNA positions 6440 to 6465, 26 bases duplicated (ACTCTATTAAAGTTTCTCCATATCTC).
Protein change: p.Ser2156fs; shifts the reading frame from serine 2156.
Molecular consequence: frameshift variant. On other transcripts: non-coding transcript variant (1), intron variant (2).
Genome position (GRCh38, 1-based): chr13:32,340,795-32,340,820, ACTCTATTAAAGTTTCTCCATATCTC duplicated; duplicating any 26 consecutive bases within chr13:32,340,793-32,340,820 gives the same sequence; the c. name uses the placement nearest the transcript's 3' end. VCF-style (leftmost placement, unchanged base first): chr13-32340792-A-ATCACTCTATTAAAGTTTCTCCATATC. GRCh37 (hg19) VCF-style: chr13-32914929-A-ATCACTCTATTAAAGTTTCTCCATATC.
Other names: c.6440_6465dup, p.Ser2156fs (NM_001406719.1, NM_001406720.1, NM_001432077.1); c.1910-3763_1910-3738dup (NM_001406721.1); c.425-3763_425-3738dup (NM_001406722.1); c.6440_6465dupACTCTATTAAAGTTTCTCCATATCTC (NM_000059.3); short protein forms S2156fs.
Identifiers: ClinVar variation 3825464 (VCV003825464.1).